The following is an entry in ClinVar:

ClinVar aggregate classification (germline): Uncertain significance (1 of 4 stars; one submission).

gnomAD v4.1: 1 of 1,613,922 alleles (0.000062%); highest among the groups gnomAD compares: Admixed American, 0.0017%; no homozygotes.

Submission:

Labcorp Genetics (formerly Invitae), Labcorp
Classification: Uncertain significance. Last evaluated: 2024-09-05. Review status: criteria provided, single submitter. Criteria: Invitae Variant Classification Sherloc (09022015). Collection method: clinical testing. Allele origin: germline.
Comment: This sequence change replaces glutamine, which is neutral and polar, with histidine, which is basic and polar, at codon 551 of the BNC2 protein (p.Gln551His). This variant is present in population databases (rs763083458, gnomAD 0.003%). This variant has not been reported in the literature in individuals affected with BNC2-related conditions. An algorithm developed to predict the effect of missense changes on protein structure and function (PolyPhen-2) suggests that this variant is likely to be disruptive. In summary, the available evidence is currently insufficient to determine the role of this variant in disease. Therefore, it has been classified as a Variant of Uncertain Significance.

NM_017637.6(BNC2):c.1653A>C (p.Gln551His)

Gene: BNC2 (basonuclin zinc finger protein 2; minus strand). Cytogenetic location: 9p22.3.
Variant type: single nucleotide variant.
Coding change: c.1653A>C on transcript NM_017637.6 (MANE Select); coding-DNA position 1653, A replaced by C.
Protein change: p.Gln551His; replaces glutamine 551 with histidine.
Molecular consequence: missense variant.
Genome position (GRCh38, 1-based): chr9:16,436,541, T>G on the plus strand (A>C on the coding strand, the complement: BNC2 is on the minus strand). VCF-style: chr9-16436541-T-G. GRCh37 (hg19) VCF-style: chr9-16436539-T-G.
Other names: c.1527A>C, p.Gln509His (NM_001317939.2); c.1368A>C, p.Gln456His (NM_001317940.2); short protein forms Q551H, Q456H, Q509H.
Identifiers: ClinVar variation 3687435 (VCV003687435.2).